The following is an entry in ClinVar:

ClinVar aggregate classification (germline): Uncertain significance. Review status: criteria provided, multiple submitters, no conflicts (2 of 4 stars). 2 submissions from 2 submitters: Uncertain significance (2). Last evaluated 2025-07-23.

Conditions:
BBS9-related disorder. Also called: BBS9-related condition.
Bardet-Biedl syndrome 9 (BBS9). Identifiers: Orphanet 110, MedGen C1859567, MONDO:0014437, OMIM 615986.

gnomAD v4.1: 2 of 1,614,048 alleles (0.00012%); highest among the groups gnomAD compares: African/African-American, 0.0027%; no homozygotes.

Submissions (2):

PreventionGenetics, part of Exact Sciences
Classification: Uncertain significance for BBS9-related condition. Last evaluated: 2025-07-23. Review status: criteria provided, single submitter. Criteria: ACMG Guidelines, 2015. Collection method: clinical testing. Allele origin: germline.
Comment: The BBS9 c.2055A>T variant is predicted to result in the amino acid substitution p.Lys685Asn. To our knowledge, this variant has not been reported in the literature. This variant is reported in 0.011% of alleles in individuals of African descent in gnomAD. At this time, the clinical significance of this variant is uncertain due to the absence of conclusive functional and genetic evidence.

Fulgent Genetics
Classification: Uncertain significance for Bardet-Biedl syndrome 9. Last evaluated: 2024-02-26. Review status: criteria provided, single submitter. Criteria: ACMG Guidelines, 2015. Collection method: clinical testing. Allele origin: germline.

NM_198428.3(BBS9):c.2055A>T (p.Lys685Asn)

Gene: BBS9 (Bardet-Biedl syndrome 9; plus strand). Cytogenetic location: 7p14.3.
Variant type: single nucleotide variant.
Coding change: c.2055A>T on transcript NM_198428.3 (MANE Select); coding-DNA position 2055, A replaced by T.
Protein change: p.Lys685Asn; replaces lysine 685 with asparagine.
Molecular consequence: missense variant. On other transcripts: non-coding transcript variant (3).
Genome position (GRCh38, 1-based): chr7:33,388,084, A>T. VCF-style: chr7-33388084-A-T. GRCh37 (hg19) VCF-style: chr7-33427696-A-T.
Other names: c.1935A>T, p.Lys645Asn (NM_001348040.3, NM_014451.4); c.2055A>T, p.Lys685Asn (NM_001348041.4, NM_001348043.3, NM_001362679.1 and 1 more transcripts); c.1920A>T, p.Lys640Asn (NM_001348042.3); c.1584A>T, p.Lys528Asn (NM_001348044.3); c.1689A>T, p.Lys563Asn (NM_001348045.3, NM_001348046.3, NM_001348037.3); c.1950A>T, p.Lys650Asn (NM_001033604.2); c.2040A>T, p.Lys680Asn (NM_001033605.2); c.1782A>T, p.Lys594Asn (NM_001348038.3); and 2 more; short protein forms K528N, K559N, K640N, K650N, K685N, K563N, K594N, K680N.
Identifiers: ClinVar variation 3594571 (VCV003594571.2).
Genomic context (GRCh38, chr7:33,388,084, plus strand): 5'-CTTATCTGAGAGAGCTGTACAATTTCGGGCCATTCAACGCCGGCTACTAGCAAGATTCAA[A>T]GATAAAACTCCTGCCCCTCTTCAACACCTGGACACCTTGTTAGATGGAACCTACAAGCAG-3'
Protein context (NP_940820.1, residues 675-695): AIQRRLLARF[Lys685Asn]DKTPAPLQHL